The following is an entry in ClinVar:

ClinVar aggregate classification (germline): Uncertain significance (1 of 4 stars; one submission).

Conditions:
ACCES syndrome (ACCES). Also called: APLASIA CUTIS CONGENITA WITH ECTRODACTYLY SKELETAL SYNDROME. Identifiers: MedGen C5677019, MONDO:0859262, OMIM 619959.

Submission:

Clinical Genomics Laboratory, Washington University in St. Louis
Classification: Uncertain significance for ACCES syndrome. Last evaluated: 2023-10-02. Review status: criteria provided, single submitter. Criteria: ACMG Guidelines, 2015. Collection method: clinical testing. Allele origin: germline.
Comment: The UBA2 c.175A>G (p.Arg59Gly) variant, to our knowledge, has not been reported in the medical literature and is absent from the general population (gnomAD v.2.1.1), indicating it is not a common variant. This variant occurs in an ATP binding site (Lois LM et al., PMID: 15660128), alters a positively charged arginine to a non-polar glycine, and computational predictors indicate that the variant is damaging, evidence that correlates with impact to UBA2 function. In support of this prediction, alteration of the arginine at codon 59 to alanine results in defective adenylation which would theoretically cause loss of UBA2 function (Olsen SK et al., PMID: 20164921). Additionally, a nearby variant, p.Asn56Thr, was previously described in an affected individual and is considered pathogenic (Schnur RE et al., PMID: 34040189). However, due to limited information, and based on ACMG/AMP guidelines for variant interpretation (Richards S et al., PMID: 25741868), the clinical significance of this variant is uncertain at this time.

NM_005499.3(UBA2):c.175A>G (p.Arg59Gly)

Gene: UBA2 (ubiquitin like modifier activating enzyme 2; plus strand). Cytogenetic location: 19q13.11.
Variant type: single nucleotide variant.
Coding change: c.175A>G on transcript NM_005499.3 (MANE Select); coding-DNA position 175, A replaced by G.
Protein change: p.Arg59Gly; replaces arginine 59 with glycine.
Molecular consequence: missense variant. On other transcripts: 5 prime UTR variant (1).
Genome position (GRCh38, 1-based): chr19:34,430,612, A>G. VCF-style: chr19-34430612-A-G. GRCh37 (hg19) VCF-style: chr19-34921517-A-G.
Other names: c.-114A>G (NM_001411139.1); short protein forms R59G.
Identifiers: ClinVar variation 2672153 (VCV002672153.1), dbSNP rs2513922410, ClinGen allele CA405253861.
Genomic context (GRCh38, chr19:34,430,612, plus strand): 5'-TATCTGGGGTTTATGCATTTGTAGATTGATCTGGATACTATTGATGTAAGCAACCTCAAC[A>G]GACAGTTTTTGTTTCAAAAGAAACATGTTGGAAGATCAAAGGCACAGGTAACTATATTTC-3'
Protein context (NP_005490.1, residues 49-69): LDTIDVSNLN[Arg59Gly]QFLFQKKHVG